The following is an entry in ClinVar:

ClinVar aggregate classification (germline): Likely pathogenic (1 of 4 stars; one submission).

Conditions:
Neurofibromatosis, type 2 (SWNV). Also called: SCHWANNOMATOSIS, VESTIBULAR; NF2-Related Schwannomatosis; BILATERAL ACOUSTIC NEUROFIBROMATOSIS. Identifiers: Orphanet 637, MedGen C0027832, MONDO:0007039, OMIM 101000. Disease mechanism: loss of function.

Submission:

Labcorp Genetics (formerly Invitae), Labcorp
Classification: Likely pathogenic for Neurofibromatosis, type 2. Last evaluated: 2016-09-03. Review status: criteria provided, single submitter. Criteria: Invitae Variant Classification Sherloc (09022015). Collection method: clinical testing. Allele origin: germline.
Comment: This variant is a gross deletion of the genomic region encompassing exon 3 of the NF2 gene. This leads to an in-frame deletion, preserving the integrity of the reading frame. A similar deletion of exon 3 has been reported in an individual wtih neurofibromatosis type 2 (PMID: 19968670). Experimental studies have not been reported for this in-frame deletion, and it is currently unknown if the amino acids encoded by this exon are critical for protein function. In summary, this variant is a rare deletion of a single in-frame exon with uncertain impact on protein function that has been reported in an affected individual. This evidence strongly supports that the variant is pathogenic, but the available data is currently insufficient to prove that conclusively. Therefore, this variant has been classified as Likely Pathogenic.

NC_000022.11:g.(?_29639090)_(29639212_?)del

Gene: NF2 (NF2, moesin-ezrin-radixin like (MERLIN) tumor suppressor; plus strand). Cytogenetic location: 22q12.2.
Variant type: Deletion.
Identifiers: ClinVar variation 417574 (VCV000417574.1).